The following is an entry in ClinVar:

ClinVar aggregate classification (germline): Likely benign (1 of 4 stars; one submission).

Allele frequency attached by ClinVar (database versions not stated): gnomAD 0.00001; ESP Exome Variant Server 0.00008.
gnomAD v4.1: 6 of 1,613,562 alleles (0.00037%); highest among the groups gnomAD compares: Non-Finnish European, 0.00051%; no homozygotes.

Submission:

CeGaT Center for Human Genetics Tuebingen
Classification: Likely benign. Last evaluated: 2023-03-01. Review status: criteria provided, single submitter. Criteria: CeGaT Center For Human Genetics Tuebingen Variant Classification Criteria Version 2. Collection method: clinical testing. Allele origin: germline. Affected: yes. Observed: 1 variant allele.
Comment: BBOF1: BP4, BP7

NM_025057.3(BBOF1):c.1365A>G (p.Ala455=)

Gene: BBOF1 (basal body orientation factor 1; plus strand). Cytogenetic location: 14q24.3.
Variant type: single nucleotide variant.
Coding change: c.1365A>G on transcript NM_025057.3 (MANE Select); coding-DNA position 1365, A replaced by G.
Protein change: p.Ala455=; no amino-acid change (alanine 455 retained).
Molecular consequence: synonymous variant.
Genome position (GRCh38, 1-based): chr14:74,055,662, A>G. VCF-style: chr14-74055662-A-G. GRCh37 (hg19) VCF-style: chr14-74522365-A-G.
Identifiers: ClinVar variation 2644366 (VCV002644366.24), dbSNP rs377090766, ClinGen allele CA7265450.